The following is an entry in ClinVar:

NM_001003800.2(BICD2):c.861C>T (p.Asp287=)

Gene: BICD2 (BICD cargo adaptor 2; minus strand). Cytogenetic location: 9q22.31.
Variant type: single nucleotide variant.
Coding change: c.861C>T on transcript NM_001003800.2 (MANE Select); coding-DNA position 861, C replaced by T.
Protein change: p.Asp287=; no amino-acid change (aspartic acid 287 retained).
Molecular consequence: synonymous variant.
Genome position (GRCh38, 1-based): chr9:92,720,501, G>A on the plus strand (C>T on the coding strand, the complement: BICD2 is on the minus strand). VCF-style: chr9-92720501-G-A. GRCh37 (hg19) VCF-style: chr9-95482783-G-A.
Other names: c.861C>T, p.Asp287= (NM_015250.4).
Identifiers: ClinVar variation 390025 (VCV000390025.12), dbSNP rs768173580, ClinGen allele CA5126709.

ClinVar aggregate classification (germline): Benign/Likely benign. Review status: criteria provided, multiple submitters, no conflicts (2 of 4 stars). 3 submissions from 3 submitters: Benign (1); Likely benign (2). Last evaluated 2024-05-18.

Conditions:
Autosomal dominant childhood-onset proximal spinal muscular atrophy with contractures (SMALED2A). Also called: SPINAL MUSCULAR ATROPHY, LOWER EXTREMITY-PREDOMINANT, 2A, CHILDHOOD ONSET, AUTOSOMAL DOMINANT; Spinal muscular atrophy, lower extremity-predominant, 2A, autosomal dominant. Identifiers: Orphanet 363447, Orphanet 363454, MedGen C4747715, MONDO:0014121, OMIM 615290.
Inborn genetic diseases. Identifiers: MedGen C0950123, MeSH D030342.

Allele frequency attached by ClinVar (database versions not stated): gnomAD exomes 0.00016 and 0.00033; gnomAD 0.00036 and 0.00033; TOPMed 0.00005; ExAC 0.00024.

Submissions (3):

Labcorp Genetics (formerly Invitae), Labcorp
Classification: Benign for Autosomal dominant childhood-onset proximal spinal muscular atrophy with contractures. Last evaluated: 2024-05-18. Review status: criteria provided, single submitter. Criteria: Invitae Variant Classification Sherloc (09022015). Collection method: clinical testing. Allele origin: germline.

Ambry Genetics
Classification: Likely benign for Inborn genetic diseases. Last evaluated: 2019-07-11. Review status: criteria provided, single submitter. Criteria: Ambry Variant Classification Scheme 2023. Collection method: clinical testing. Allele origin: germline.

GeneDx
Classification: Likely benign. Last evaluated: 2016-11-01. Review status: criteria provided, single submitter. Criteria: GeneDx Variant Classification (06012015). Collection method: clinical testing. Allele origin: germline. Affected: yes.
Comment: This variant is considered likely benign or benign based on one or more of the following criteria: it is a conservative change, it occurs at a poorly conserved position in the protein, it is predicted to be benign by multiple in silico algorithms, and/or has population frequency not consistent with disease.